The following is an entry in ClinVar:

NM_004380.3(CREBBP):c.3254_3255del (p.Ile1084_Phe1085insTer)

Gene: CREBBP (CREB binding lysine acetyltransferase; minus strand). Cytogenetic location: 16p13.3.
Variant type: Deletion.
Coding change: c.3254_3255del on transcript NM_004380.3 (MANE Select); coding-DNA positions 3254 to 3255, 2 bases deleted (TT; older notation c.3254_3255delTT).
Protein change: p.Ile1084_Phe1085insTer.
Molecular consequence: nonsense.
Genome position (GRCh38, 1-based): chr16:3,758,968-3,758,969, AA deleted on the plus strand (TT on the coding strand, the reverse complement: CREBBP is on the minus strand); deleting any 2 consecutive bases within chr16:3,758,968-3,758,970 gives the same sequence; the c. name uses the placement nearest the transcript's 3' end. VCF-style (leftmost placement, unchanged base first): chr16-3758967-TAA-T. GRCh37 (hg19) VCF-style: chr16-3808968-TAA-T.
Other names: c.3140_3141del, p.Ile1046_Phe1047insTer (NM_001079846.1).
Identifiers: ClinVar variation 4293646 (VCV004293646.1).

ClinVar aggregate classification (germline): Likely pathogenic (1 of 4 stars; one submission).

Conditions:
Rubinstein-Taybi syndrome due to CREBBP mutations (RSTS1). Also called: RUBINSTEIN SYNDROME; RUBINSTEIN-TAYBI SYNDROME 1, INCOMPLETE; Rubinstein-Taybi syndrome 1; CREBBP-Related Rubinstein-Taybi Syndrome; BROAD THUMB-HALLUX SYNDROME; BROAD THUMBS AND GREAT TOES, CHARACTERISTIC FACIES, AND IMPAIRED INTELLECTUAL DEVELOPMENT. Identifiers: Orphanet 353277, Orphanet 783, MedGen C4551859, MONDO:0008393, OMIM 180849.

Submission:

3billion
Classification: Likely pathogenic for Rubinstein-Taybi syndrome due to CREBBP mutations. Last evaluated: 2024-09-02. Review status: criteria provided, single submitter. Criteria: ACMG Guidelines, 2015. Collection method: clinical testing. Allele origin: germline. Affected: yes.
Comment: The variant is not observed in the gnomAD v4.0.0 dataset. Predicted Consequence/Location: Stop-gained (nonsense): predicted to result in a loss or disruption of normal protein function through nonsense-mediated decay (NMD) or protein truncation. Multiple pathogenic variants are reported downstream of the variant. Therefore, this variant is classified as Likely pathogenic according to the recommendation of ACMG/AMP guideline.